The following is an entry in ClinVar:

ClinVar aggregate classification (germline): Benign/Likely benign. Review status: criteria provided, multiple submitters, no conflicts (2 of 4 stars). 2 submissions from 2 submitters: Benign (1); Likely benign (1). Last evaluated 2024-11-06.

Conditions:
Renal cell carcinoma. Identifiers: Orphanet 217071, MedGen C0007134, MeSH D002292, MONDO:0005086, HP:0005584.
Papillary renal cell carcinoma type 1 (RCCP1). Also called: RENAL CELL CARCINOMA, PAPILLARY, 1, SOMATIC; Renal adenocarcinoma; Renal cell carcinoma 1; Renal cell carcinoma, somatic. Identifiers: Orphanet 47044, MedGen C1336839, OMIM 605074, HP:0011797.

Submissions (2):

Myriad Genetics, Inc.
Classification: Benign for Papillary renal cell carcinoma type 1. Last evaluated: 2024-11-06. Review status: criteria provided, single submitter. Criteria: Myriad Autosomal Dominant, Autosomal Recessive and X-Linked Classification Criteria (2023). Collection method: clinical testing. Allele origin: unknown.
Comment: This variant is considered benign. This variant is a silent/synonymous amino acid change and it is not expected to impact splicing.

Labcorp Genetics (formerly Invitae), Labcorp
Classification: Likely benign for Renal cell carcinoma. Last evaluated: 2022-03-03. Review status: criteria provided, single submitter. Criteria: Invitae Variant Classification Sherloc (09022015). Collection method: clinical testing. Allele origin: germline.

NM_000245.4(MET):c.303C>T (p.Cys101=)

Gene: MET (MET proto-oncogene, receptor tyrosine kinase; plus strand). Cytogenetic location: 7q31.2.
Variant type: single nucleotide variant.
Coding change: c.303C>T on transcript NM_000245.4 (MANE Select); coding-DNA position 303, C replaced by T.
Protein change: p.Cys101=; no amino-acid change (cysteine 101 retained).
Molecular consequence: synonymous variant. On other transcripts: intron variant (1).
Genome position (GRCh38, 1-based): chr7:116,699,387, C>T. VCF-style: chr7-116699387-C-T. GRCh37 (hg19) VCF-style: chr7-116339441-C-T.
Other names: c.303C>T, p.Cys101= (NM_001127500.3, NM_001324401.3); c.-91+26810C>T (NM_001324402.2).
Identifiers: ClinVar variation 1895495 (VCV001895495.6), dbSNP rs2116585329, ClinGen allele CA457447624.